The following is an entry in ClinVar:

ClinVar aggregate classification (germline): Uncertain significance. Review status: criteria provided, multiple submitters, no conflicts (2 of 4 stars). 2 submissions from 2 submitters: Uncertain significance (2). Last evaluated 2026-03-02.

Conditions:
EGFR-related lung cancer (EGFR). Identifiers: MedGen CN130014.
Hereditary cancer-predisposing syndrome. Also called: Neoplastic Syndromes, Hereditary; Hereditary neoplastic syndrome; Tumor predisposition; Hereditary Cancer Syndrome. Identifiers: Orphanet 140162, MedGen C0027672, MeSH D009386, MONDO:0015356.

Submissions (2):

Ambry Genetics
Classification: Uncertain significance for Hereditary cancer-predisposing syndrome. Last evaluated: 2026-03-02. Review status: criteria provided, single submitter. Criteria: Ambry Variant Classification Scheme 2023. Collection method: clinical testing. Allele origin: germline.
Comment: The p.S530R variant (also known as c.1590C>G), located in coding exon 13 of the EGFR gene, results from a C to G substitution at nucleotide position 1590. The serine at codon 530 is replaced by arginine, an amino acid with dissimilar properties. This amino acid position is conserved. In addition, this alteration is predicted to be tolerated by in silico analysis. Based on the available evidence, the clinical significance of this variant remains unclear.

Labcorp Genetics (formerly Invitae), Labcorp
Classification: Uncertain significance for EGFR-related lung cancer. Last evaluated: 2026-01-28. Review status: criteria provided, single submitter. Criteria: Invitae Variant Classification Sherloc (09022015). Collection method: clinical testing. Allele origin: germline.
Comment: This sequence change replaces serine, which is neutral and polar, with arginine, which is basic and polar, at codon 530 of the EGFR protein (p.Ser530Arg). This variant is not present in population databases (gnomAD no frequency). This variant has not been reported in the literature in individuals affected with EGFR-related conditions. Invitae Evidence Modeling of protein sequence and biophysical properties (such as structural, functional, and spatial information, amino acid conservation, physicochemical variation, residue mobility, and thermodynamic stability) indicates that this missense variant is not expected to disrupt EGFR protein function with a negative predictive value of 80%. Algorithms developed to predict the effect of sequence changes on RNA splicing suggest that this variant may disrupt the consensus splice site. In summary, the available evidence is currently insufficient to determine the role of this variant in disease. Therefore, it has been classified as a Variant of Uncertain Significance.

NM_005228.5(EGFR):c.1590C>G (p.Ser530Arg)

Gene: EGFR (epidermal growth factor receptor; plus strand). Cytogenetic location: 7p11.2.
Variant type: single nucleotide variant.
Coding change: c.1590C>G on transcript NM_005228.5 (MANE Select); coding-DNA position 1590, C replaced by G.
Protein change: p.Ser530Arg; replaces serine 530 with arginine.
Molecular consequence: missense variant.
Genome position (GRCh38, 1-based): chr7:55,161,590, C>G. VCF-style: chr7-55161590-C-G. GRCh37 (hg19) VCF-style: chr7-55229283-C-G.
Other names: c.789C>G, p.Ser263Arg (NM_001346941.2); c.1590C>G, p.Ser530Arg (NM_201282.2, NM_201284.2, NM_001346898.2); c.1455C>G, p.Ser485Arg (NM_001346897.2, NM_001346899.2); c.1431C>G, p.Ser477Arg (NM_001346900.2); short protein forms S263R, S477R, S485R, S530R.
Identifiers: ClinVar variation 4742249 (VCV004742249.2).